The following is an entry in ClinVar:

ClinVar aggregate classification (germline): Benign/Likely benign. Review status: criteria provided, multiple submitters, no conflicts (2 of 4 stars). 6 submissions from 6 submitters: Benign (2); Likely benign (4). Last evaluated 2026-02-01.

Conditions:
Weill-Marchesani 4 syndrome, recessive. Also called: Weill-Marchesani syndrome 4. Identifiers: Orphanet 363992, MedGen C2750787, MONDO:0013176, OMIM 613195.
ADAMTS17-related disorder. Also called: ADAMTS17-related condition.

Allele frequency attached by ClinVar (database versions not stated): 1000 Genomes Project 0.00200; 1000 Genomes Project 30x 0.00203; gnomAD 0.00299 and 0.00307; gnomAD exomes 0.00305; ESP Exome Variant Server 0.00361; ExAC 0.00311; TOPMed 0.00325.
gnomAD v4.1: 6,711 of 1,614,180 alleles (0.42%); highest among the groups gnomAD compares: Non-Finnish European, 0.52%; 23 homozygotes.

Submissions (6):

Labcorp Genetics (formerly Invitae), Labcorp
Classification: Benign. Last evaluated: 2026-02-01. Review status: criteria provided, single submitter. Criteria: Invitae Variant Classification Sherloc (09022015). Collection method: clinical testing. Allele origin: germline.

Blueprint Genetics
Classification: Likely benign. Last evaluated: 2024-11-15. Review status: criteria provided, single submitter. Criteria: ACMG Guidelines, 2015. Collection method: clinical testing. Allele origin: germline.

PreventionGenetics, part of Exact Sciences
Classification: Likely benign for ADAMTS17-related condition. Last evaluated: 2024-11-03. Review status: criteria provided, single submitter. Criteria: ACMG Guidelines, 2015. Collection method: clinical testing. Allele origin: germline.
Comment: This variant is classified as likely benign based on ACMG/AMP sequence variant interpretation guidelines (Richards et al. 2015 PMID: 25741868, with internal and published modifications).

Mayo Clinic Laboratories, Mayo Clinic
Classification: Benign. Last evaluated: 2024-07-09. Review status: criteria provided, single submitter. Criteria: ACMG Guidelines, 2015. Collection method: clinical testing. Allele origin: germline. Observed: 6 variant alleles.
Comment: BS1, BS2, BP4, BP7

Illumina Laboratory Services, Illumina
Classification: Likely benign for Weill-Marchesani 4 syndrome, recessive. Last evaluated: 2018-01-13. Review status: criteria provided, single submitter. Criteria: ICSL Variant Classification Criteria 13 December 2019. Collection method: clinical testing. Allele origin: germline.
Comment: This variant was observed in the ICSL laboratory as part of a predisposition screen in an ostensibly healthy population. It had not been previously curated by ICSL or reported in the Human Gene Mutation Database (HGMD: prior to June 1st, 2018), and was therefore a candidate for classification through an automated scoring system. Utilizing variant allele frequency, disease prevalence and penetrance estimates, and inheritance mode, an automated score was calculated to assess if this variant is too frequent to cause the disease. Based on the score and internal cut-off values, a variant classified as likely benign is not then subjected to further curation. The score for this variant resulted in a classification of likely benign for this disease.

Breakthrough Genomics
Classification: Likely benign. Review status: criteria provided, single submitter. Criteria: ACMG Guidelines, 2015. Collection method: not provided. Allele origin: germline. Inheritance: Autosomal recessive inheritance. Affected: yes.

NM_139057.4(ADAMTS17):c.2499G>A (p.Lys833=)

Gene: ADAMTS17 (ADAM metallopeptidase with thrombospondin type 1 motif 17; minus strand). Cytogenetic location: 15q26.3.
Variant type: single nucleotide variant.
Coding change: c.2499G>A on transcript NM_139057.4 (MANE Select); coding-DNA position 2499, G replaced by A.
Protein change: p.Lys833=; no amino-acid change (lysine 833 retained).
Molecular consequence: synonymous variant.
Genome position (GRCh38, 1-based): chr15:100,048,949, C>T on the plus strand (G>A on the coding strand, the complement: ADAMTS17 is on the minus strand). VCF-style: chr15-100048949-C-T. GRCh37 (hg19) VCF-style: chr15-100589154-C-T.
Other names: p.Lys833=.
Identifiers: ClinVar variation 791059 (VCV000791059.18), dbSNP rs117133620, ClinGen allele CA7757696.